The following is an entry in ClinVar:

ClinVar aggregate classification (germline): Likely benign (1 of 4 stars; one submission).

Allele frequency attached by ClinVar (database versions not stated): TOPMed below 0.00001; ExAC 0.00001; gnomAD 0.00001; gnomAD exomes 0.00001 and 0.00002.
gnomAD v4.1: 22 of 1,614,054 alleles (0.0014%); highest among the groups gnomAD compares: South Asian, 0.0044%; no homozygotes.

Submission:

GeneDx
Classification: Likely benign. Last evaluated: 2018-02-05. Review status: criteria provided, single submitter. Criteria: GeneDx Variant Classification (06012015). Collection method: clinical testing. Allele origin: germline. Affected: yes.
Comment: This variant is considered likely benign or benign based on one or more of the following criteria: it is a conservative change, it occurs at a poorly conserved position in the protein, it is predicted to be benign by multiple in silico algorithms, and/or has population frequency not consistent with disease.

NM_001347721.2(DYRK1A):c.1959G>A (p.Thr653=)

Gene: DYRK1A (dual specificity tyrosine phosphorylation regulated kinase 1A; plus strand). Cytogenetic location: 21q22.13.
Variant type: single nucleotide variant.
Coding change: c.1959G>A on transcript NM_001347721.2 (MANE Select); coding-DNA position 1959, G replaced by A.
Protein change: p.Thr653=; no amino-acid change (threonine 653 retained).
Molecular consequence: synonymous variant. On other transcripts: 3 prime UTR variant (2).
Genome position (GRCh38, 1-based): chr21:37,512,225, G>A. VCF-style: chr21-37512225-G-A. GRCh37 (hg19) VCF-style: chr21-38884528-G-A.
Other names: c.1959G>A, p.Thr653= (NM_001347722.2, NM_130436.2); c.1872G>A, p.Thr624= (NM_001347723.2); c.1986G>A, p.Thr662= (NM_001396.5); c.*362G>A (NM_101395.2); c.*271G>A (NM_130438.2).
Identifiers: ClinVar variation 515293 (VCV000515293.1), dbSNP rs754773650, ClinGen allele CA10024140.